The following is an entry in ClinVar:

ClinVar aggregate classification (germline): Benign. Review status: criteria provided, multiple submitters, no conflicts (2 of 4 stars). 4 submissions from 4 submitters: Benign (4). Last evaluated 2026-02-02.

Conditions:
Frontotemporal dementia and/or amyotrophic lateral sclerosis 1 (FTDALS1). Also called: Frontotemporal dementia with motor neuron disease 1; C9orf72 Frontotemporal Dementia and/or Amyotrophic Lateral Sclerosis. Identifiers: Orphanet 275872, MedGen C5779877, MONDO:0007105, OMIM 105550.
Paget disease of bone 2, early-onset (PDB2). Also called: Paget disease of bone 2. Identifiers: MedGen C4085251, MONDO:0011183, OMIM 602080.
Paget disease of bone 3. Identifiers: MedGen C4085252, MONDO:0008176, OMIM 167250.

Allele frequency attached by ClinVar (database versions not stated): gnomAD exomes 0.00154 and 0.00427; ExAC 0.00549; gnomAD 0.01539 and 0.01636; ESP Exome Variant Server 0.01707; TOPMed 0.01826; 1000 Genomes Project 0.02276; 1000 Genomes Project 30x 0.02374.
gnomAD v4.1: 4,709 of 1,613,650 alleles (0.29%); highest among the groups gnomAD compares: African/African-American, 5.2%; 107 homozygotes.

Submissions (4):

Labcorp Genetics (formerly Invitae), Labcorp
Classification: Benign for Paget disease of bone 2, early-onset; Frontotemporal dementia and/or amyotrophic lateral sclerosis 1. Last evaluated: 2026-02-02. Review status: criteria provided, single submitter. Criteria: Invitae Variant Classification Sherloc (09022015). Collection method: clinical testing. Allele origin: germline.

GeneDx
Classification: Benign. Last evaluated: 2018-09-23. Review status: criteria provided, single submitter. Criteria: GeneDx Variant Classification Process June 2021. Collection method: clinical testing. Allele origin: germline. Affected: yes.

Mayo Clinic Laboratories, Mayo Clinic
Classification: Benign. Last evaluated: 2018-02-20. Review status: criteria provided, single submitter. Criteria: ACMG Guidelines, 2015. Collection method: clinical testing. Allele origin: germline. Observed: 24 variant alleles.

Illumina Laboratory Services, Illumina
Classification: Benign for Paget disease of bone 3. Last evaluated: 2018-01-13. Review status: criteria provided, single submitter. Criteria: ICSL Variant Classification Criteria 13 December 2019. Collection method: clinical testing. Allele origin: germline.
Comment: This variant was observed in the ICSL laboratory as part of a predisposition screen in an ostensibly healthy population. It had not been previously curated by ICSL or reported in the Human Gene Mutation Database (HGMD: prior to June 1st, 2018), and was therefore a candidate for classification through an automated scoring system. Utilizing variant allele frequency, disease prevalence and penetrance estimates, and inheritance mode, an automated score was calculated to assess if this variant is too frequent to cause the disease. Based on the score and internal cut-off values, a variant classified as benign is not then subjected to further curation. The score for this variant resulted in a classification of benign for this disease.

NM_003900.5(SQSTM1):c.906C>T (p.Gly302=)

Gene: SQSTM1 (sequestosome 1; plus strand). Cytogenetic location: 5q35.3.
Variant type: single nucleotide variant.
Coding change: c.906C>T on transcript NM_003900.5 (MANE Select); coding-DNA position 906, C replaced by T.
Protein change: p.Gly302=; no amino-acid change (glycine 302 retained).
Molecular consequence: synonymous variant.
Genome position (GRCh38, 1-based): chr5:179,833,183, C>T. VCF-style: chr5-179833183-C-T. GRCh37 (hg19) VCF-style: chr5-179260183-C-T.
Other names: p.Gly302=; c.654C>T, p.Gly218= (NM_001142298.2, NM_001142299.2).
Identifiers: ClinVar variation 475409 (VCV000475409.20), dbSNP rs11548642, ClinGen allele CA3600720.